The following is an entry in ClinVar:

NM_017534.6(MYH2):c.3358C>T (p.Arg1120Cys)

Genes: MYH2 (myosin heavy chain 2; minus strand), MYHAS (myosin heavy chain gene cluster antisense RNA; plus strand). Cytogenetic location: 17p13.1.
Variant type: single nucleotide variant.
Coding change: c.3358C>T on transcript NM_017534.6 (MANE Select); coding-DNA position 3358, C replaced by T.
Protein change: p.Arg1120Cys; replaces arginine 1120 with cysteine.
Molecular consequence: missense variant.
Genome position (GRCh38, 1-based): chr17:10,529,076, G>A on the plus strand (C>T on the coding strand, the complement: MYH2 is on the minus strand). VCF-style: chr17-10529076-G-A. GRCh37 (hg19) VCF-style: chr17-10432393-G-A.
Other names: c.3358C>T, p.Arg1120Cys (NM_001100112.2); short protein forms R1120C.
Identifiers: ClinVar variation 321675 (VCV000321675.8), dbSNP rs756255059, ClinGen allele CA8390917.

ClinVar aggregate classification (germline): Uncertain significance. Review status: criteria provided, multiple submitters, no conflicts (2 of 4 stars). 2 submissions from 2 submitters: Uncertain significance (2). Last evaluated 2025-04-07.

Conditions:
Myopathy, proximal, and ophthalmoplegia (CMYO6). Also called: MYOPATHY WITH CONGENITAL JOINT CONTRACTURES, OPHTHALMOPLEGIA, AND RIMMED VACUOLES; INCLUSION BODY MYOPATHY 3, AUTOSOMAL DOMINANT; CONGENITAL MYOPATHY 6 WITH OPHTHALMOPLEGIA. Identifiers: Orphanet 363677, Orphanet 79091, MedGen C1854106, MONDO:0011577, OMIM 605637.

Allele frequency attached by ClinVar (database versions not stated): ExAC 0.00001; gnomAD 0.00001 and 0.00002; gnomAD exomes 0.00001; TOPMed 0.00005.
gnomAD v4.1: 20 of 1,614,076 alleles (0.0012%); highest among the groups gnomAD compares: East Asian, 0.0022%; no homozygotes.

Submissions (2):

Labcorp Genetics (formerly Invitae), Labcorp
Classification: Uncertain significance for Myopathy, proximal, and ophthalmoplegia. Last evaluated: 2025-04-07. Review status: criteria provided, single submitter. Criteria: Invitae Variant Classification Sherloc (09022015). Collection method: clinical testing. Allele origin: germline.
Comment: This sequence change replaces arginine, which is basic and polar, with cysteine, which is neutral and slightly polar, at codon 1120 of the MYH2 protein (p.Arg1120Cys). This variant is present in population databases (rs756255059, gnomAD 0.002%). This variant has not been reported in the literature in individuals affected with MYH2-related conditions. ClinVar contains an entry for this variant (Variation ID: 321675). Invitae Evidence Modeling of protein sequence and biophysical properties (such as structural, functional, and spatial information, amino acid conservation, physicochemical variation, residue mobility, and thermodynamic stability) indicates that this missense variant is not expected to disrupt MYH2 protein function with a negative predictive value of 80%. In summary, the available evidence is currently insufficient to determine the role of this variant in disease. Therefore, it has been classified as a Variant of Uncertain Significance.

Illumina Laboratory Services, Illumina
Classification: Uncertain significance for Myopathy, proximal, and ophthalmoplegia. Last evaluated: 2018-01-12. Review status: criteria provided, single submitter. Criteria: ICSL Variant Classification Criteria 13 December 2019. Collection method: clinical testing. Allele origin: germline.